The following is an entry in ClinVar:

ClinVar aggregate classification (germline): Uncertain significance (1 of 4 stars; one submission).

Conditions:
Inborn genetic diseases. Identifiers: MedGen C0950123, MeSH D030342.

gnomAD v4.1: 2 of 1,614,174 alleles (0.00012%); highest among the groups gnomAD compares: East Asian, 0.0022%; no homozygotes.

Submission:

Ambry Genetics
Classification: Uncertain significance for Inborn genetic diseases. Last evaluated: 2026-04-03. Review status: criteria provided, single submitter. Criteria: Ambry Variant Classification Scheme 2023. Collection method: clinical testing. Allele origin: germline.
Comment: The p.V20M variant (also known as c.58G>A), located in coding exon 2 of the PAX5 gene, results from a G to A substitution at nucleotide position 58. The valine at codon 20 is replaced by methionine, an amino acid with highly similar properties. This amino acid position is conserved. In addition, this alteration is predicted to be deleterious by in silico analysis. Based on the available evidence, the clinical significance of this variant remains unclear.

NM_016734.3(PAX5):c.58G>A (p.Val20Met)

Gene: PAX5 (paired box 5; minus strand). Cytogenetic location: 9p13.2.
Variant type: single nucleotide variant.
Coding change: c.58G>A on transcript NM_016734.3 (MANE Select); coding-DNA position 58, G replaced by A.
Protein change: p.Val20Met; replaces valine 20 with methionine.
Molecular consequence: missense variant. On other transcripts: non-coding transcript variant (2), intron variant (2).
Genome position (GRCh38, 1-based): chr9:37,020,790, C>T on the plus strand (G>A on the coding strand, the complement: PAX5 is on the minus strand). VCF-style: chr9-37020790-C-T. GRCh37 (hg19) VCF-style: chr9-37020787-C-T.
Other names: c.58G>A, p.Val20Met (NM_001280547.2, NM_001280548.2, NM_001280549.2 and 5 more transcripts); c.-112-5596G>A (NM_001280551.2, NM_001280556.2); short protein forms V20M.
Identifiers: ClinVar variation 4861600 (VCV004861600.1).